The following is an entry in ClinVar:

NM_001378204.1(CCDC18):c.2982-6T>C

Gene: CCDC18 (coiled-coil domain containing 18; plus strand). Cytogenetic location: 1p22.1.
Variant type: single nucleotide variant.
Coding change: c.2982-6T>C on transcript NM_001378204.1 (MANE Select); 6 bases into the intron before coding-DNA position 2982, T replaced by C.
Molecular consequence: intron variant.
Genome position (GRCh38, 1-based): chr1:93,246,099, T>C. VCF-style: chr1-93246099-T-C. GRCh37 (hg19) VCF-style: chr1-93711656-T-C.
Other names: c.2982-6T>C (NM_206886.4); c.2979-6T>C (NM_001306076.1).
Identifiers: ClinVar variation 3058629 (VCV003058629.2), dbSNP rs754773122, ClinGen allele CA954463.

ClinVar aggregate classification (germline): Likely benign (0 of 4 stars; one submission).

Conditions:
CCDC18-related disorder. Also called: CCDC18-related condition.

Allele frequency attached by ClinVar (database versions not stated): TOPMed 0.00007; gnomAD exomes 0.00015; ExAC 0.00023; gnomAD 0.00029.

Submission:

PreventionGenetics, part of Exact Sciences
Classification: Likely benign for CCDC18-related condition. Last evaluated: 2019-02-26. Review status: no assertion criteria provided. Collection method: clinical testing. Allele origin: germline.
Comment: This variant is classified as likely benign based on ACMG/AMP sequence variant interpretation guidelines (Richards et al. 2015 PMID: 25741868, with internal and published modifications).